The following is an entry in ClinVar:

NM_001466.4(FZD2):c.1300G>A (p.Gly434Ser)

Gene: FZD2 (frizzled class receptor 2; plus strand). Cytogenetic location: 17q21.31.
Variant type: single nucleotide variant.
Coding change: c.1300G>A on transcript NM_001466.4 (MANE Select); coding-DNA position 1300, G replaced by A.
Protein change: p.Gly434Ser; replaces glycine 434 with serine.
Molecular consequence: missense variant.
Genome position (GRCh38, 1-based): chr17:44,558,988, G>A. VCF-style: chr17-44558988-G-A. GRCh37 (hg19) VCF-style: chr17-42636356-G-A.
Other names: short protein forms G434S.
Identifiers: ClinVar variation 488061 (VCV000488061.4), dbSNP rs1223920489, ClinGen allele CA399798728.

ClinVar aggregate classification (germline): Likely pathogenic. Review status: criteria provided, multiple submitters, no conflicts (2 of 4 stars). 3 submissions from 2 submitters: Likely pathogenic (2). 1 of the submissions does not count toward it. Last evaluated 2024-12-03.

Conditions:
Autosomal dominant Robinow syndrome 1. Also called: Covesdem syndrome (formerly); Costovertebral segmentation defect with mesomelia (formerly); ACRAL DYSOSTOSIS WITH FACIAL AND GENITAL ABNORMALITIES; FETAL FACE SYNDROME; ROBINOW DWARFISM; WNT5A-Related Robinow Syndrome, Autosomal Dominant. Identifiers: Orphanet 3107, Orphanet 97360, MedGen C4551475, MONDO:0024455, OMIM 180700.
Autosomal dominant Robinow syndrome 2. Identifiers: Orphanet 3107, Orphanet 97360, MedGen C4225363, MONDO:0014591, OMIM 616331.

Submissions (3):

GeneDx
Classification: Likely pathogenic. Last evaluated: 2024-12-03. Review status: criteria provided, single submitter. Criteria: GeneDx Variant Classification Process June 2021. Collection method: clinical testing. Allele origin: germline. Affected: yes.
Comment: Not observed at significant frequency in large population cohorts (gnomAD); In silico analysis supports that this missense variant has a deleterious effect on protein structure/function; This variant is associated with the following publications: (PMID: 36867021, 35047859, 29276006, 31231135)

Lupski Lab, Baylor-Hopkins CMG, Baylor College of Medicine
Classification: Likely pathogenic for Autosomal dominant Robinow syndrome 2. Last evaluated: 2017-06-01. Review status: criteria provided, single submitter. Criteria: White et al. (Am J Hum Genet. 2018). Collection method: research. Allele origin: unknown. Affected: yes.

Lupski Lab, Baylor-Hopkins CMG, Baylor College of Medicine
Classification: Likely pathogenic for Autosomal dominant Robinow syndrome 1. Last evaluated: 2017-12-07. Review status: no assertion criteria provided. Collection method: research. Allele origin: unknown. Affected: yes. Observed: 1 variant allele. Not counted in ClinVar's aggregate classification.